The following is an entry in ClinVar:

NM_017841.4(SDHAF2):c.-1A>C

Gene: SDHAF2 (succinate dehydrogenase complex assembly factor 2; plus strand). Cytogenetic location: 11q12.2.
Variant type: single nucleotide variant.
Coding change: c.-1A>C on transcript NM_017841.4 (MANE Select); 1 bases upstream of the start codon, A replaced by C.
Molecular consequence: 5 prime UTR variant.
Genome position (GRCh38, 1-based): chr11:61,430,146, A>C. VCF-style: chr11-61430146-A-C. GRCh37 (hg19) VCF-style: chr11-61197618-A-C.
Other names: c.-1A>C (NM_017841.1).
Identifiers: ClinVar variation 392110 (VCV000392110.14), dbSNP rs377266355, ClinGen allele CA057928.
Genomic context (GRCh38, chr11:61,430,146, plus strand): 5'-CCGGGCGGCTAGGAGTTCCCGGAAGTGCCCGCGCAGCCGGTTTCCGGTGCAGGTGGGGAA[A>C]ATGGCGGTGTCTACAGTGTTCTCGACTTCGTCGCTGGTGAGGAGAGAGAACGTTCTAGCG-3'

ClinVar aggregate classification (germline): Conflicting classifications of pathogenicity. Review status: criteria provided, conflicting classifications (1 of 4 stars). 6 submissions from 6 submitters: Uncertain significance (4); Likely benign (2). Last evaluated 2025-01-17.

Conditions:
Hereditary pheochromocytoma and paraganglioma. Also called: Hereditary Paraganglioma-Pheochromocytoma Syndromes; Hereditary paragangliomas and pheochromocytomas; Hereditary pheochromocytoma-paraganglioma. Identifiers: Orphanet 29072, MedGen C4274332, MONDO:0017366.
Hereditary cancer-predisposing syndrome. Also called: Tumor predisposition; Hereditary Cancer Syndrome; Neoplastic Syndromes, Hereditary; Hereditary neoplastic syndrome. Identifiers: Orphanet 140162, MedGen C0027672, MeSH D009386, MONDO:0015356.

Allele frequency attached by ClinVar (database versions not stated): TOPMed 0.00002; gnomAD 0.00004; ESP Exome Variant Server 0.00008.

Submissions (6):

Department of Pathology and Laboratory Medicine, Sinai Health System
Classification: Uncertain significance for hereditary pheochromocytoma-paraganglioma. Last evaluated: 2025-01-17. Review status: criteria provided, single submitter. Criteria: ACMG Guidelines, 2015. Collection method: clinical testing. Allele origin: germline.

Ambry Genetics
Classification: Uncertain significance for Hereditary cancer-predisposing syndrome. Last evaluated: 2025-01-16. Review status: criteria provided, single submitter. Criteria: Ambry Variant Classification Scheme 2023. Collection method: clinical testing. Allele origin: germline.
Comment: The c.-1A>C variant is located in the 5' untranslated region (5&rsquo; UTR) of the SDHAF2 gene. This variant results from an A to C substitution 1 bases upstream from the first translated codon. This nucleotide position is not well conserved in available vertebrate species. Based on the available evidence, the clinical significance of this variant remains unclear.

All of Us Research Program, National Institutes of Health
Classification: Uncertain significance for Hereditary pheochromocytoma and paraganglioma. Last evaluated: 2024-05-30. Review status: criteria provided, single submitter. Criteria: ACMG Guidelines, 2015. Collection method: clinical testing. Allele origin: germline. Inheritance: Autosomal dominant inheritance. Observed: 10 variant alleles, 10 heterozygotes.
Comment: This variant is located in the 5' untranslated region of the SDHAF2 gene. To our knowledge, functional studies have not been reported for this variant. This variant has not been reported in individuals affected with SDHAF2-related disorders in the literature. This variant has been identified in 4/250658 chromosomes in the general population by the Genome Aggregation Database (gnomAD). The available evidence is insufficient to determine the role of this variant in disease conclusively. Therefore, this variant is classified as a Variant of Uncertain Significance.

This study involves interpretation of variants in research participants for the purpose of population health screening. Participant phenotype was not available at the time of variant classification. Additional details can be found in publication PMID: 35346344, PMCID: PMC8962531

Color Diagnostics, LLC DBA Color Health
Classification: Uncertain significance for Hereditary pheochromocytoma and paraganglioma. Last evaluated: 2024-02-21. Review status: criteria provided, single submitter. Criteria: ACMG Guidelines, 2015. Collection method: clinical testing. Allele origin: germline.
Comment: This variant is located in the 5' untranslated region of the SDHAF2 gene. To our knowledge, functional studies have not been reported for this variant. This variant has not been reported in individuals affected with SDHAF2-related disorders in the literature. This variant has been identified in 4/250658 chromosomes in the general population by the Genome Aggregation Database (gnomAD). The available evidence is insufficient to determine the role of this variant in disease conclusively. Therefore, this variant is classified as a Variant of Uncertain Significance.

GeneDx
Classification: Likely benign. Last evaluated: 2023-03-20. Review status: criteria provided, single submitter. Criteria: GeneDx Variant Classification Process June 2021. Collection method: clinical testing. Allele origin: germline. Affected: yes.
Comment: See Variant Classification Assertion Criteria.

Institute for Clinical Genetics, University Hospital TU Dresden, University Hospital TU Dresden
Classification: Likely benign. Last evaluated: 2021-11-03. Review status: criteria provided, single submitter. Criteria: ACMG Guidelines, 2015. Collection method: clinical testing. Allele origin: germline.